The following is an entry in ClinVar:

NM_000124.4(ERCC6):c.1450G>A (p.Asp484Asn)

Gene: ERCC6 (ERCC excision repair 6, chromatin remodeling factor; minus strand). Cytogenetic location: 10q11.23.
Variant type: single nucleotide variant.
Coding change: c.1450G>A on transcript NM_000124.4 (MANE Select); coding-DNA position 1450, G replaced by A.
Protein change: p.Asp484Asn; replaces aspartic acid 484 with asparagine.
Molecular consequence: missense variant.
Genome position (GRCh38, 1-based): chr10:49,505,960, C>T on the plus strand (G>A on the coding strand, the complement: ERCC6 is on the minus strand). VCF-style: chr10-49505960-C-T. GRCh37 (hg19) VCF-style: chr10-50714006-C-T.
Other names: c.1450G>A, p.Asp484Asn (NM_001346440.2); short protein forms D484N.
Identifiers: ClinVar variation 1935548 (VCV001935548.5), dbSNP rs766622325, ClinGen allele CA5495967.

ClinVar aggregate classification (germline): Uncertain significance (1 of 4 stars; one submission).

Allele frequency attached by ClinVar (database versions not stated): ExAC 0.00001.
gnomAD v4.1: 1 of 1,613,530 alleles (0.000062%); highest among the groups gnomAD compares: East Asian, 0.0022%; no homozygotes.

Submission:

Labcorp Genetics (formerly Invitae), Labcorp
Classification: Uncertain significance. Last evaluated: 2022-09-29. Review status: criteria provided, single submitter. Criteria: Invitae Variant Classification Sherloc (09022015). Collection method: clinical testing. Allele origin: germline.
Comment: In summary, the available evidence is currently insufficient to determine the role of this variant in disease. Therefore, it has been classified as a Variant of Uncertain Significance. Advanced modeling of protein sequence and biophysical properties (such as structural, functional, and spatial information, amino acid conservation, physicochemical variation, residue mobility, and thermodynamic stability) performed at Invitae indicates that this missense variant is not expected to disrupt ERCC6 protein function. This variant has not been reported in the literature in individuals affected with ERCC6-related conditions. This variant is present in population databases (rs766622325, gnomAD 0.006%). This sequence change replaces aspartic acid, which is acidic and polar, with asparagine, which is neutral and polar, at codon 484 of the ERCC6 protein (p.Asp484Asn).